The following is an entry in ClinVar:

ClinVar aggregate classification (germline): Uncertain significance. Review status: criteria provided, multiple submitters, no conflicts (2 of 4 stars). 4 submissions from 3 submitters: Uncertain significance (4). Last evaluated 2024-05-29.

Conditions:
Mevalonic aciduria (MEVA). Identifiers: Orphanet 29, MedGen C1959626, MONDO:0012481, OMIM 610377.
Porokeratosis 3, disseminated superficial actinic type (POROK3). Also called: POROKERATOSIS, DISSEMINATED SUPERFICIAL ACTINIC, 1; POROKERATOSIS 3, MULTIPLE TYPES; POROKERATOSIS 3, MIBELLI TYPE. Identifiers: MedGen C1867981, MONDO:0008293, OMIM 175900.
Hyperimmunoglobulin D with periodic fever (HIDS). Also called: Hyperimmunoglobulinemia D; Hyperimmunoglobulinemia D with periodic fever; HYPERIMMUNOGLOBULINEMIA D AND PERIODIC FEVER SYNDROME. Identifiers: Orphanet 343, MedGen C0398691, MONDO:0009849, OMIM 260920.

Allele frequency attached by ClinVar (database versions not stated): 1000 Genomes Project below 0.00001; gnomAD 0.00001; gnomAD exomes 0.00001 and 0.00002; ExAC 0.00002; TOPMed 0.00002.
gnomAD v4.1: 10 of 1,614,094 alleles (0.00062%); highest among the groups gnomAD compares: East Asian, 0.0067%; no homozygotes.

Submissions (4):

Labcorp Genetics (formerly Invitae), Labcorp
Classification: Uncertain significance for Mevalonic aciduria; Hyperimmunoglobulin D with periodic fever; Porokeratosis 3, disseminated superficial actinic type. Last evaluated: 2024-05-29. Review status: criteria provided, single submitter. Criteria: Invitae Variant Classification Sherloc (09022015). Collection method: clinical testing. Allele origin: germline.
Comment: This sequence change replaces glutamic acid, which is acidic and polar, with lysine, which is basic and polar, at codon 162 of the MVK protein (p.Glu162Lys). This variant is present in population databases (rs200457031, gnomAD 0.02%). This variant has not been reported in the literature in individuals affected with MVK-related conditions. ClinVar contains an entry for this variant (Variation ID: 666070). Advanced modeling of protein sequence and biophysical properties (such as structural, functional, and spatial information, amino acid conservation, physicochemical variation, residue mobility, and thermodynamic stability) performed at Invitae indicates that this missense variant is not expected to disrupt MVK protein function with a negative predictive value of 80%. In summary, the available evidence is currently insufficient to determine the role of this variant in disease. Therefore, it has been classified as a Variant of Uncertain Significance.

Fulgent Genetics
Classification: Uncertain significance for Porokeratosis 3, disseminated superficial actinic type; Hyperimmunoglobulin D with periodic fever; Mevalonic aciduria. Last evaluated: 2024-02-20. Review status: criteria provided, single submitter. Criteria: ACMG Guidelines, 2015. Collection method: clinical testing. Allele origin: germline.

Illumina Laboratory Services, Illumina
Classification: Uncertain significance for Mevalonic aciduria. Last evaluated: 2018-01-12. Review status: criteria provided, single submitter. Criteria: ICSL Variant Classification Criteria 13 December 2019. Collection method: clinical testing. Allele origin: germline.

Illumina Laboratory Services, Illumina
Classification: Uncertain significance for Hyperimmunoglobulin D with periodic fever. Last evaluated: 2018-01-12. Review status: criteria provided, single submitter. Criteria: ICSL Variant Classification Criteria 13 December 2019. Collection method: clinical testing. Allele origin: germline.

NM_000431.4(MVK):c.484G>A (p.Glu162Lys)

Gene: MVK (mevalonate kinase; plus strand). Cytogenetic location: 12q24.11.
Variant type: single nucleotide variant.
Coding change: c.484G>A on transcript NM_000431.4 (MANE Select); coding-DNA position 484, G replaced by A.
Protein change: p.Glu162Lys; replaces glutamic acid 162 with lysine.
Molecular consequence: missense variant. On other transcripts: intron variant (1).
Genome position (GRCh38, 1-based): chr12:109,581,507, G>A. VCF-style: chr12-109581507-G-A. GRCh37 (hg19) VCF-style: chr12-110019312-G-A.
Other names: c.484G>A, p.Glu162Lys (NM_001114185.3); c.371+1561G>A (NM_001301182.2); short protein forms E162K.
Identifiers: ClinVar variation 666070 (VCV000666070.14), dbSNP rs200457031, ClinGen allele CA6779266.